The following is an entry in ClinVar:

NM_004370.6(COL12A1):c.637A>G (p.Lys213Glu)

Gene: COL12A1 (collagen type XII alpha 1 chain; minus strand). Cytogenetic location: 6q13.
Variant type: single nucleotide variant.
Coding change: c.637A>G on transcript NM_004370.6 (MANE Select); coding-DNA position 637, A replaced by G.
Protein change: p.Lys213Glu; replaces lysine 213 with glutamic acid.
Molecular consequence: missense variant. On other transcripts: intron variant (1).
Genome position (GRCh38, 1-based): chr6:75,189,573, T>C on the plus strand (A>G on the coding strand, the complement: COL12A1 is on the minus strand). VCF-style: chr6-75189573-T-C. GRCh37 (hg19) VCF-style: chr6-75899289-T-C.
Other names: c.73+13147A>G (NM_080645.3); short protein forms K213E.
Identifiers: ClinVar variation 999455 (VCV000999455.9), dbSNP rs1769818108, ClinGen allele CA364728522.

ClinVar aggregate classification (germline): Uncertain significance (1 of 4 stars; one submission).

Conditions:
Ullrich congenital muscular dystrophy 2 (UCMD2). Identifiers: Orphanet 75840, MedGen C4225314, MONDO:0014654, OMIM 616470.
Bethlem myopathy 2 (BTHLM2). Identifiers: Orphanet 536516, Orphanet 610, MedGen C4225313, MONDO:0034022, OMIM 616471.

Submission:

Labcorp Genetics (formerly Invitae), Labcorp
Classification: Uncertain significance for Bethlem myopathy 2; Ullrich congenital muscular dystrophy 2. Last evaluated: 2025-08-26. Review status: criteria provided, single submitter. Criteria: Invitae Variant Classification Sherloc (09022015). Collection method: clinical testing. Allele origin: germline.
Comment: This sequence change replaces lysine, which is basic and polar, with glutamic acid, which is acidic and polar, at codon 213 of the COL12A1 protein (p.Lys213Glu). This variant is not present in population databases (gnomAD no frequency). This variant has not been reported in the literature in individuals affected with COL12A1-related conditions. ClinVar contains an entry for this variant (Variation ID: 999455). Invitae Evidence Modeling of protein sequence and biophysical properties (such as structural, functional, and spatial information, amino acid conservation, physicochemical variation, residue mobility, and thermodynamic stability) has been performed for this missense variant. However, the output from this modeling did not meet the statistical confidence thresholds required to predict the impact of this variant on COL12A1 protein function. In summary, the available evidence is currently insufficient to determine the role of this variant in disease. Therefore, it has been classified as a Variant of Uncertain Significance.